The following is an entry in ClinVar:

ClinVar aggregate classification (germline): Uncertain significance (1 of 4 stars; one submission).

Conditions:
3-methylcrotonyl-CoA carboxylase 2 deficiency. Also called: 3 alpha methylcrotonyl-CoA carboxylase 2 deficiency; 3 alpha methylcrotonylglycinuria 2; MCC 2 deficiency; Methylcrotonylglycinuria type 2; METHYLCROTONYLGLYCINURIA, TYPE II. Identifiers: Orphanet 6, MedGen C1859499, MONDO:0008862, OMIM 210210.

Submission:

Labcorp Genetics (formerly Invitae), Labcorp
Classification: Uncertain significance for 3-methylcrotonyl-CoA carboxylase 2 deficiency. Last evaluated: 2022-05-13. Review status: criteria provided, single submitter. Criteria: Invitae Variant Classification Sherloc (09022015). Collection method: clinical testing. Allele origin: germline.
Comment: This variant has not been reported in the literature in individuals affected with MCCC2-related conditions. This variant is not present in population databases (gnomAD no frequency). This sequence change replaces alanine, which is neutral and non-polar, with glycine, which is neutral and non-polar, at codon 13 of the MCCC2 protein (p.Ala13Gly). Advanced modeling of protein sequence and biophysical properties (such as structural, functional, and spatial information, amino acid conservation, physicochemical variation, residue mobility, and thermodynamic stability) performed at Invitae indicates that this missense variant is not expected to disrupt MCCC2 protein function. In summary, the available evidence is currently insufficient to determine the role of this variant in disease. Therefore, it has been classified as a Variant of Uncertain Significance.

NM_022132.5(MCCC2):c.38C>G (p.Ala13Gly)

Gene: MCCC2 (methylcrotonyl-CoA carboxylase subunit 2; plus strand). Cytogenetic location: 5q13.2.
Variant type: single nucleotide variant.
Coding change: c.38C>G on transcript NM_022132.5 (MANE Select); coding-DNA position 38, C replaced by G.
Protein change: p.Ala13Gly; replaces alanine 13 with glycine.
Molecular consequence: missense variant.
Genome position (GRCh38, 1-based): chr5:71,587,463, C>G. VCF-style: chr5-71587463-C-G. GRCh37 (hg19) VCF-style: chr5-70883290-C-G.
Other names: c.38C>G, p.Ala13Gly (NM_001363147.1); short protein forms A13G.
Identifiers: ClinVar variation 2125069 (VCV002125069.4), dbSNP rs2530684146, ClinGen allele CA360001639.